The following is an entry in ClinVar:

ClinVar aggregate classification (germline): Uncertain significance (1 of 4 stars; one submission).

Conditions:
Familial focal epilepsy with variable foci (FPEVF). Identifiers: Orphanet 98820, MedGen C1858477, MONDO:0020310.

Allele frequency attached by ClinVar (database versions not stated): ExAC 0.00002; TOPMed below 0.00001; gnomAD 0.00001; gnomAD exomes 0.00001.
gnomAD v4.1: 18 of 1,614,016 alleles (0.0011%); highest among the groups gnomAD compares: Non-Finnish European, 0.0014%; no homozygotes.

Submission:

Labcorp Genetics (formerly Invitae), Labcorp
Classification: Uncertain significance for Familial focal epilepsy with variable foci. Last evaluated: 2024-10-24. Review status: criteria provided, single submitter. Criteria: Invitae Variant Classification Sherloc (09022015). Collection method: clinical testing. Allele origin: germline.
Comment: This sequence change replaces proline, which is neutral and non-polar, with alanine, which is neutral and non-polar, at codon 779 of the DEPDC5 protein (p.Pro779Ala). This variant is present in population databases (rs756599738, gnomAD 0.003%). This variant has not been reported in the literature in individuals affected with DEPDC5-related conditions. ClinVar contains an entry for this variant (Variation ID: 972504). Experimental studies and prediction algorithms are not available or were not evaluated, and the functional significance of this variant is currently unknown. In summary, the available evidence is currently insufficient to determine the role of this variant in disease. Therefore, it has been classified as a Variant of Uncertain Significance.

NM_001242896.3(DEPDC5):c.2335C>G (p.Pro779Ala)

Gene: DEPDC5 (DEP domain containing 5, GATOR1 subcomplex subunit; plus strand). Cytogenetic location: 22q12.3.
Variant type: single nucleotide variant.
Coding change: c.2335C>G on transcript NM_001242896.3 (MANE Select); coding-DNA position 2335, C replaced by G.
Protein change: p.Pro779Ala; replaces proline 779 with alanine.
Molecular consequence: missense variant. On other transcripts: non-coding transcript variant (5).
Genome position (GRCh38, 1-based): chr22:31,837,136, C>G. VCF-style: chr22-31837136-C-G. GRCh37 (hg19) VCF-style: chr22-32233122-C-G.
Other names: c.2308C>G, p.Pro770Ala (NM_001136029.4, NM_001369903.1, NM_014662.6); c.2101C>G, p.Pro701Ala (NM_001242897.2, NM_001363854.2, NM_001364319.2); c.2335C>G, p.Pro779Ala (NM_001363852.2, NM_001364318.2, NM_001364320.2); c.2251C>G, p.Pro751Ala (NM_001369901.1, NM_001369902.1); short protein forms P751A, P770A, P779A, P701A.
Identifiers: ClinVar variation 972504 (VCV000972504.9), dbSNP rs756599738, ClinGen allele CA10196680.